The following is an entry in ClinVar:

ClinVar aggregate classification (germline): Uncertain significance (1 of 4 stars; one submission).

Allele frequency attached by ClinVar (database versions not stated): ExAC 0.00001; gnomAD exomes 0.00001.
gnomAD v4.1: 9 of 1,610,478 alleles (0.00056%); highest among the groups gnomAD compares: South Asian, 0.0011%; no homozygotes.

Submission:

Labcorp Genetics (formerly Invitae), Labcorp
Classification: Uncertain significance. Last evaluated: 2023-12-23. Review status: criteria provided, single submitter. Criteria: Invitae Variant Classification Sherloc (09022015). Collection method: clinical testing. Allele origin: germline.
Comment: This sequence change replaces proline, which is neutral and non-polar, with histidine, which is basic and polar, at codon 505 of the GABRA2 protein (p.Pro505His). This variant is present in population databases (rs761715134, gnomAD 0.003%). This variant has not been reported in the literature in individuals affected with GABRA2-related conditions. Experimental studies and prediction algorithms are not available or were not evaluated, and the functional significance of this variant is currently unknown. In summary, the available evidence is currently insufficient to determine the role of this variant in disease. Therefore, it has been classified as a Variant of Uncertain Significance.

NM_000807.4(GABRA2):c.1334C>A (p.Pro445His)

Gene: GABRA2 (gamma-aminobutyric acid type A receptor subunit alpha2; minus strand). Cytogenetic location: 4p12.
Variant type: single nucleotide variant.
Coding change: c.1334C>A on transcript NM_000807.4 (MANE Select); coding-DNA position 1334, C replaced by A.
Protein change: p.Pro445His; replaces proline 445 with histidine.
Molecular consequence: missense variant.
Genome position (GRCh38, 1-based): chr4:46,250,330, G>T on the plus strand (C>A on the coding strand, the complement: GABRA2 is on the minus strand). VCF-style: chr4-46250330-G-T. GRCh37 (hg19) VCF-style: chr4-46252347-G-T.
Other names: c.1334C>A, p.Pro445His (NM_001114175.3, NM_001377146.1, NM_001377147.1 and 4 more transcripts); c.1349C>A, p.Pro450His (NM_001286827.3); c.1514C>A, p.Pro505His (NM_001330690.2, NM_001377144.1, NM_001377145.1); c.1169C>A, p.Pro390His (NM_001377152.1, NM_001377153.1, NM_001377154.1); short protein forms P390H, P445H, P450H, P505H.
Identifiers: ClinVar variation 3006181 (VCV003006181.3), dbSNP rs761715134, ClinGen allele CA2906530.
Genomic context (GRCh38, chr4:46,250,330, plus strand): 5'-ATGTTGCTATACATCCCAAAGATAACATGGGTCTCAATTCAAGGACTGACCCCTAATACA[G>T]GTTCTCTGTTTAAATATGTAGCCCAGTAAACTAAATTAAAGGTACCAAACAAAACTGGAA-3'
Protein context (NP_000798.2, residues 435-451): VYWATYLNRE[Pro445His]VLGVSP